The following is an entry in ClinVar:

ClinVar aggregate classification (germline): Conflicting classifications of pathogenicity. Review status: criteria provided, conflicting classifications (1 of 4 stars). 2 submissions from 2 submitters: Uncertain significance (1); Likely benign (1). Last evaluated 2025-12-03.

Conditions:
Charcot-Marie-Tooth disease axonal type 2O. Also called: Charcot-Marie-Tooth disease, axonal, type 20; Charcot-Marie-Tooth Neuropathy Type 2O; CHARCOT-MARIE-TOOTH NEUROPATHY, AXONAL, TYPE 2O; CHARCOT-MARIE-TOOTH DISEASE, AXONAL, AUTOSOMAL DOMINANT, TYPE 2O. Identifiers: Orphanet 284232, MedGen C3280220, MONDO:0013644, OMIM 614228.

Allele frequency attached by ClinVar (database versions not stated): ExAC 0.00001; gnomAD exomes 0.00003 and 0.00008; TOPMed 0.00006; gnomAD 0.00007 and 0.00009; ESP Exome Variant Server 0.00008.
gnomAD v4.1: 131 of 1,614,106 alleles (0.0081%); highest among the groups gnomAD compares: Non-Finnish European, 0.01%; no homozygotes.

Submissions (2):

Labcorp Genetics (formerly Invitae), Labcorp
Classification: Likely benign for Charcot-Marie-Tooth disease axonal type 2O. Last evaluated: 2025-12-03. Review status: criteria provided, single submitter. Criteria: Invitae Variant Classification Sherloc (09022015). Collection method: clinical testing. Allele origin: germline.

GeneDx
Classification: Uncertain significance. Last evaluated: 2025-11-19. Review status: criteria provided, single submitter. Criteria: GeneDx Variant Classification Process June 2021. Collection method: clinical testing. Allele origin: germline. Affected: yes.
Comment: In silico analysis suggests this variant may impact gene splicing. In the absence of RNA/functional studies, the actual effect of this sequence change is unknown.; Has not been previously published as pathogenic or benign to our knowledge

NM_001376.5(DYNC1H1):c.4749C>T (p.Ser1583=)

Gene: DYNC1H1 (dynein cytoplasmic 1 heavy chain 1; plus strand). Cytogenetic location: 14q32.31.
Variant type: single nucleotide variant.
Coding change: c.4749C>T on transcript NM_001376.5 (MANE Select); coding-DNA position 4749, C replaced by T.
Protein change: p.Ser1583=; no amino-acid change (serine 1583 retained).
Molecular consequence: synonymous variant.
Genome position (GRCh38, 1-based): chr14:102,002,831, C>T. VCF-style: chr14-102002831-C-T. GRCh37 (hg19) VCF-style: chr14-102469168-C-T.
Identifiers: ClinVar variation 415342 (VCV000415342.14), dbSNP rs374033335, ClinGen allele CA7352303.